The following is an entry in ClinVar:

ClinVar aggregate classification (germline): Uncertain significance. Review status: criteria provided, multiple submitters, no conflicts (2 of 4 stars). 2 submissions from 2 submitters: Uncertain significance (2). Last evaluated 2025-10-18.

Conditions:
Inborn genetic diseases. Identifiers: MedGen C0950123, MeSH D030342.

Allele frequency attached by ClinVar (database versions not stated): ExAC 0.00002; gnomAD exomes 0.00002; gnomAD 0.00005 and 0.00006; TOPMed 0.00005.
gnomAD v4.1: 47 of 1,614,240 alleles (0.0029%); highest among the groups gnomAD compares: African/African-American, 0.0093%; no homozygotes.

Submissions (2):

Ambry Genetics
Classification: Uncertain significance for Inborn genetic diseases. Last evaluated: 2025-10-18. Review status: criteria provided, single submitter. Criteria: Ambry Variant Classification Scheme 2023. Collection method: clinical testing. Allele origin: germline.

Labcorp Genetics (formerly Invitae), Labcorp
Classification: Uncertain significance. Last evaluated: 2024-02-11. Review status: criteria provided, single submitter. Criteria: Invitae Variant Classification Sherloc (09022015). Collection method: clinical testing. Allele origin: germline.
Comment: This sequence change replaces proline, which is neutral and non-polar, with leucine, which is neutral and non-polar, at codon 1253 of the DUOX2 protein (p.Pro1253Leu). The frequency data for this variant in the population databases is considered unreliable, as metrics indicate poor data quality at this position in the gnomAD database. This variant has not been reported in the literature in individuals affected with DUOX2-related conditions. ClinVar contains an entry for this variant (Variation ID: 1410489). Advanced modeling of protein sequence and biophysical properties (such as structural, functional, and spatial information, amino acid conservation, physicochemical variation, residue mobility, and thermodynamic stability) performed at Invitae indicates that this missense variant is expected to disrupt DUOX2 protein function with a positive predictive value of 80%. In summary, the available evidence is currently insufficient to determine the role of this variant in disease. Therefore, it has been classified as a Variant of Uncertain Significance.

NM_001363711.2(DUOX2):c.3758C>T (p.Pro1253Leu)

Gene: DUOX2 (dual oxidase 2; minus strand). Cytogenetic location: 15q21.1.
Variant type: single nucleotide variant.
Coding change: c.3758C>T on transcript NM_001363711.2 (MANE Select); coding-DNA position 3758, C replaced by T.
Protein change: p.Pro1253Leu; replaces proline 1253 with leucine.
Molecular consequence: missense variant.
Genome position (GRCh38, 1-based): chr15:45,097,327, G>A on the plus strand (C>T on the coding strand, the complement: DUOX2 is on the minus strand). VCF-style: chr15-45097327-G-A. GRCh37 (hg19) VCF-style: chr15-45389525-G-A.
Other names: c.3758C>T, p.Pro1253Leu (NM_014080.5); c.3758C>T (NM_014080.4); short protein forms P1253L.
Identifiers: ClinVar variation 1410489 (VCV001410489.7), dbSNP rs772669214, ClinGen allele CA7537736.
Genomic context (GRCh38, chr15:45,097,327, plus strand): 5'-CTGATCTCCACCTTCTTCCGGCTCAGGCTCACCAGCTTGTCACCTCCATAGATGATTGCC[G>A]GGACCAGGAAGTAGATGTGGAAAGTGGGCAGCTGGATCAGAGCATAGCTGCCATGGATGA-3'
Protein context (NP_001350640.1, residues 1243-1263): LPTFHIYFLV[Pro1253Leu]AIIYGGDKLV